The following is an entry in ClinVar:

ClinVar aggregate classification (germline): Pathogenic. Review status: criteria provided, multiple submitters, no conflicts (2 of 4 stars). 12 submissions from 12 submitters: Pathogenic (9). 3 of the submissions do not count toward it. Last evaluated 2026-01-11.
ClinVar aggregate classification (oncogenicity): Likely oncogenic (1 of 4 stars; one submission).

Conditions:
Gastric cancer. Also called: Stomach cancer; Malignant tumor of stomach. Identifiers: MedGen C0024623, MeSH D013274, MONDO:0001056, OMIM 613659, HP:0012126.
Classic or attenuated familial adenomatous polyposis. Identifiers: MedGen CN372698, MONDO:0021057.
Hereditary cancer-predisposing syndrome. Also called: Tumor predisposition; Neoplastic Syndromes, Hereditary; Hereditary Cancer Syndrome; Hereditary neoplastic syndrome. Identifiers: Orphanet 140162, MedGen C0027672, MeSH D009386, MONDO:0015356.
Familial multiple polyposis syndrome (FAP). Also called: Classic familial adenomatous polyposis; Familial Adenomatous Polyposis (FAP); Familial adenomatous polyposis; Familial intestinal polyposis; Familial polyposis. Identifiers: Orphanet 733, MedGen C0032580, MONDO:0021055. Disease mechanism: loss of function.
Familial adenomatous polyposis 1 (FAP1). Also called: FAMILIAL ADENOMATOUS POLYPOSIS 1, ATTENUATED; POLYPOSIS, ADENOMATOUS INTESTINAL. Identifiers: MedGen C2713442, MONDO:0021056, OMIM 175100. Disease mechanism: loss of function.
Carcinoma of colon (CRC). Also called: Colon carcinoma; Colonic carcinoma. Identifiers: MedGen C0699790, MONDO:0002032.
Neoplasm. Also called: tumor; Neoplasms; Neoplasm (disease). Identifiers: MedGen C0027651, MeSH D009369, MONDO:0005070, HP:0002664.

Submissions 1 to 9 of 13:

Labcorp Genetics (formerly Invitae), Labcorp
Classification: Pathogenic for Familial adenomatous polyposis 1. Last evaluated: 2026-01-11. Review status: criteria provided, single submitter. Criteria: Invitae Variant Classification Sherloc (09022015). Collection method: clinical testing. Allele origin: germline.
Comment: This sequence change creates a premature translational stop signal (p.Lys49Asnfs*20) in the APC gene. It is expected to result in an absent or disrupted protein product. Loss-of-function variants in APC are known to be pathogenic (PMID: 17963004, 20685668). This variant is not present in population databases (gnomAD no frequency). This premature translational stop signal has been observed in individual(s) with colon polyps, attenuated adenomatous polyposis (AFAP) and familial adenomatous polyposis (FAP) (PMID: 19531215, 20924072, 26681312). ClinVar contains an entry for this variant (Variation ID: 141368). For these reasons, this variant has been classified as Pathogenic.

Center for Genomic Medicine, Rigshospitalet, Copenhagen University Hospital
Classification: Likely oncogenic for Neoplasm. Last evaluated: 2025-03-04. Review status: criteria provided, single submitter. Criteria: ClinGen/CGC/VICC Guidelines for Oncogenicity, 2022. Collection method: clinical testing. Allele origin: somatic. Affected: yes.

All of Us Research Program, National Institutes of Health
Classification: Pathogenic for Classic or attenuated familial adenomatous polyposis. Last evaluated: 2024-01-08. Review status: criteria provided, single submitter. Criteria: ACMG Guidelines, 2015. Collection method: clinical testing. Allele origin: germline. Inheritance: Autosomal dominant inheritance. Observed: 2 variant alleles, 2 heterozygotes.
Comment: The c.147_150del (p.Lys49Asnfs*20) variant in the APC gene is located on the exon 3 and is predicted to cause shift of reading frame that introduces a premature translation termination codon (p.Lys49Asnfs*20), resulting in an absent or disrupted protein product. The variant has been reported in multiple individuals with familial adenomatous polyposis and attenuated adenomatous polyposis (PMID: 20924072, 31285513, 19531215, 26681312). Alterations that result in premature termination in the N-terminus of the APC protein are associated with an attenuated phenotype and may have incomplete penetrance compared to classic familial adenomatous polyposis syndrome (PMID: 9585611, 11257105). Loss-of-function variants of APC are known to be pathogenic (PMID: 26446593, 23159591, 31591141, 33769591). The variant is reported in ClinVar as pathogenic (ID: 141368). The variant is absent in the general population database (gnomAD). Therefore, the c.147_150del (p.Lys49Asnfs*20) variant of APC has been classified as pathogenic.

This study involves interpretation of variants in research participants for the purpose of population health screening. Participant phenotype was not available at the time of variant classification. Additional details can be found in publication PMID: 35346344, PMCID: PMC8962531

GeneDx
Classification: Pathogenic. Last evaluated: 2023-11-25. Review status: criteria provided, single submitter. Criteria: GeneDx Variant Classification Process June 2021. Collection method: clinical testing. Allele origin: germline. Affected: yes.
Comment: Frameshift variant predicted to result in protein truncation or nonsense mediated decay in a gene for which loss of function is a known mechanism of disease; Observed in individuals with a personal or family history consistent with pathogenic variants in this gene (PMID: 19531215, 20924072); Not observed at significant frequency in large population cohorts (gnomAD); This variant is associated with the following publications: (PMID: 26681312, 19531215, 20924072, 31285513)

Color Diagnostics, LLC DBA Color Health
Classification: Pathogenic for Hereditary cancer-predisposing syndrome. Last evaluated: 2023-11-08. Review status: criteria provided, single submitter. Criteria: ACMG Guidelines, 2015. Collection method: clinical testing. Allele origin: germline.
Comment: This variant deletes 4 nucleotides in exon 3 of the APC gene, creating a frameshift and premature translation stop signal. This variant is expected to result in an absent or non-functional protein product. This variant has been reported in individuals and families affected with colon polyps, familial adenomatous polyposis, and attenuated familial adenomatous polyposis (PMID: 19531215, 20924072, 26681312, 31285513). This variant has not been identified in the general population by the Genome Aggregation Database (gnomAD). Loss of APC function is a known mechanism of disease. Based on the available evidence, this variant is classified as Pathogenic.

Baylor Genetics
Classification: Pathogenic for Familial adenomatous polyposis 1. Last evaluated: 2023-10-15. Review status: criteria provided, single submitter. Criteria: ACMG Guidelines, 2015. Collection method: clinical testing. Allele origin: unknown.

Myriad Genetics, Inc.
Classification: Pathogenic for Familial adenomatous polyposis 1. Last evaluated: 2023-04-24. Review status: criteria provided, single submitter. Criteria: Myriad Autosomal Dominant, Autosomal Recessive and X-Linked Classification Criteria (2023). Collection method: clinical testing. Allele origin: unknown.
Comment: This variant is considered pathogenic. This variant creates a frameshift predicted to result in premature protein truncation.

Ambry Genetics
Classification: Pathogenic for Hereditary cancer-predisposing syndrome. Last evaluated: 2022-12-21. Review status: criteria provided, single submitter. Criteria: Ambry Variant Classification Scheme 2023. Collection method: clinical testing. Allele origin: germline.
Comment: The c.147_150delACAA pathogenic mutation, located in coding exon 2 of the APC gene, results from a deletion of 4 nucleotides between positions 147 and 150, causing a translational frameshift with a predicted alternate stop codon (p.K49Nfs*20). This mutation has been reported in multiple individuals with features of both familial adenomatous polyposis (FAP) and attenuated FAP (Gomez-Fernandez N et al. BMC Med. Genet. 2009 Jun 16;10:57; Rivera B et al. Ann. Oncol. 2011 Apr;22(4):903-9; Susswein LR et al. Genet. Med. 2016 Aug;18(8):823-32). This variant is considered to be rare based on population cohorts in the Genome Aggregation Database (gnomAD). In addition to the clinical data presented in the literature, this alteration is expected to result in loss of function by premature protein truncation or nonsense-mediated mRNA decay. As such, this alteration is interpreted as a disease-causing mutation. However, alterations that result in premature termination in coding exon 2 are associated with an attenuated phenotype and may have reduced penetrance compared to classic familial adenomatous polyposis syndrome. Clinical correlation is advised.

Women's Health and Genetics/Laboratory Corporation of America, LabCorp
Classification: Pathogenic for Familial multiple polyposis syndrome. Last evaluated: 2021-10-20. Review status: criteria provided, single submitter. Criteria: LabCorp Variant Classification Summary - May 2015. Collection method: clinical testing. Allele origin: germline.
Comment: Variant summary: APC c.147_150delACAA (p.Lys49AsnfsX20) results in a premature termination codon, predicted to cause a truncation of the encoded protein or absence of the protein due to nonsense mediated decay, which are commonly known mechanisms for disease. Truncations downstream of this position have been classified as pathogenic by our laboratory. The variant was absent in 251042 control chromosomes (gnomAD). c.147_150delACAA has been reported in the literature in individuals affected with Familial Adenomatous Polyposis (e.g. Gomez-Fernandez_2009, Rivera_2011, Lorca_2019). These data indicate that the variant is likely to be associated with disease. To our knowledge, no experimental evidence demonstrating an impact on protein function has been reported. Three ClinVar submitters (evaluation after 2014) cite the variant as pathogenic. Based on the evidence outlined above, the variant was classified as pathogenic.

NM_000038.6(APC):c.147_150del (p.Lys49fs)

Gene: APC (APC regulator of Wnt signaling pathway; plus strand). Cytogenetic location: 5q22.2.
Variant type: Deletion.
Coding change: c.147_150del on transcript NM_000038.6 (MANE Select); coding-DNA positions 147 to 150, 4 bases deleted (ACAA; older notation c.147_150delACAA).
Protein change: p.Lys49fs; shifts the reading frame from lysine 49.
Molecular consequence: frameshift variant. On other transcripts: 5 prime UTR variant (4).
Genome position (GRCh38, 1-based): chr5:112,766,337-112,766,340, ACAA deleted; deleting any 4 consecutive bases within chr5:112,766,335-112,766,340 gives the same sequence; the c. name uses the placement nearest the transcript's 3' end. VCF-style (leftmost placement, unchanged base first): chr5-112766334-TAAAC-T. GRCh37 (hg19) VCF-style: chr5-112102031-TAAAC-T.
Other names: c.147_150delACAA (NM_000038.6); c.147_150del, p.Lys49fs (NM_001127510.3, NM_001354895.2, NM_001354896.2 and 2 more transcripts); c.177_180del, p.Lys59fs (NM_001127511.3, NM_001354897.2, NM_001354902.2); c.72_75del, p.Lys24fs (NM_001354898.2, NM_001354904.2); c.-31_-28del (NM_001354900.2, NM_001354901.2, NM_001354905.2); c.-889_-886del (NM_001354906.2); c.147_150del (NM_000038.5); short protein forms K59fs, K49fs, K24fs.
Identifiers: ClinVar variation 141368 (VCV000141368.43), dbSNP rs587781694, ClinGen allele CA005200.
Genomic context (GRCh38, chr5:112,766,334, plus strand): 5'-GTCTTGAAGTTATTTAGAATTTCATGTTAATATATTGTGTTCTTTTTAACAGGAAGTACT[TAAAC>T]AACTACAAGGAAGTATTGAAGATGAAGCTATGGCTTCTTCTGGACAGATTGATTTATTAG-3'